The following is an entry in ClinVar:

NM_006073.4(TRDN):c.1808G>C (p.Gly603Ala)

Gene: TRDN (triadin; minus strand). Cytogenetic location: 6q22.31.
Variant type: single nucleotide variant.
Coding change: c.1808G>C on transcript NM_006073.4 (MANE Select); coding-DNA position 1808, G replaced by C.
Protein change: p.Gly603Ala; replaces glycine 603 with alanine.
Molecular consequence: missense variant.
Genome position (GRCh38, 1-based): chr6:123,260,635, C>G on the plus strand (G>C on the coding strand, the complement: TRDN is on the minus strand). VCF-style: chr6-123260635-C-G. GRCh37 (hg19) VCF-style: chr6-123581780-C-G.
Other names: short protein forms G603A.
Identifiers: ClinVar variation 532357 (VCV000532357.16), dbSNP rs766406818, ClinGen allele CA3983730.

ClinVar aggregate classification (germline): Conflicting classifications of pathogenicity. Review status: criteria provided, conflicting classifications (1 of 4 stars). 3 submissions from 3 submitters: Uncertain significance (2); Likely benign (1). Last evaluated 2024-04-25.

Conditions:
Cardiovascular phenotype. Identifiers: MedGen CN230736.
Catecholaminergic polymorphic ventricular tachycardia 1. Also called: VENTRICULAR TACHYCARDIA, CATECHOLAMINERGIC POLYMORPHIC, 1, WITH OR WITHOUT ATRIAL DYSFUNCTION AND/OR DILATED CARDIOMYOPATHY; RYR2-Related Catecholaminergic Polymorphic Ventricular Tachycardia; VENTRICULAR TACHYCARDIA, STRESS-INDUCED POLYMORPHIC 1. Identifiers: Orphanet 3286, MedGen C1631597, MONDO:0011484, OMIM 604772.

Allele frequency attached by ClinVar (database versions not stated): gnomAD exomes 0.00002; ExAC 0.00005; gnomAD 0.00009.
gnomAD v4.1: 27 of 1,297,832 alleles (0.0021%); highest among the groups gnomAD compares: Non-Finnish European, 0.0027%; no homozygotes.

Submissions (3):

Ambry Genetics
Classification: Likely benign for Cardiovascular phenotype. Last evaluated: 2024-04-25. Review status: criteria provided, single submitter. Criteria: Ambry Variant Classification Scheme 2023. Collection method: clinical testing. Allele origin: germline.

Labcorp Genetics (formerly Invitae), Labcorp
Classification: Uncertain significance for Catecholaminergic polymorphic ventricular tachycardia 1. Last evaluated: 2022-08-05. Review status: criteria provided, single submitter. Criteria: Invitae Variant Classification Sherloc (09022015). Collection method: clinical testing. Allele origin: germline.
Comment: This sequence change replaces glycine, which is neutral and non-polar, with alanine, which is neutral and non-polar, at codon 603 of the TRDN protein (p.Gly603Ala). This variant is present in population databases (rs766406818, gnomAD 0.006%). This variant has not been reported in the literature in individuals affected with TRDN-related conditions. ClinVar contains an entry for this variant (Variation ID: 532357). Algorithms developed to predict the effect of missense changes on protein structure and function output the following: SIFT: "Tolerated"; PolyPhen-2: "Benign"; Align-GVGD: "Class C0". The alanine amino acid residue is found in multiple mammalian species, which suggests that this missense change does not adversely affect protein function. In summary, the available evidence is currently insufficient to determine the role of this variant in disease. Therefore, it has been classified as a Variant of Uncertain Significance.

GeneDx
Classification: Uncertain significance. Last evaluated: 2020-05-12. Review status: criteria provided, single submitter. Criteria: GeneDx Variant Classification Process June 2021. Collection method: clinical testing. Allele origin: germline. Affected: yes.
Comment: Not observed in large population cohorts (Lek et al., 2016); In silico analysis supports that this missense variant does not alter protein structure/function; Has not been previously published as pathogenic or benign to our knowledge